The following is an entry in ClinVar:

ClinVar aggregate classification (germline): Uncertain significance. Review status: criteria provided, multiple submitters, no conflicts (2 of 4 stars). 2 submissions from 2 submitters: Uncertain significance (2). Last evaluated 2022-11-13.

Conditions:
Ataxia-telangiectasia-like disorder (ATLD). Identifiers: MedGen C1858391, MONDO:0011457.
Hereditary cancer-predisposing syndrome. Also called: Hereditary neoplastic syndrome; Neoplastic Syndromes, Hereditary; Tumor predisposition; Hereditary Cancer Syndrome. Identifiers: Orphanet 140162, MedGen C0027672, MeSH D009386, MONDO:0015356.

Allele frequency attached by ClinVar (database versions not stated): TOPMed 0.00001; gnomAD 0.00003 and 0.00004; ExAC 0.00007.
gnomAD v4.1: 33 of 1,612,408 alleles (0.002%); highest among the groups gnomAD compares: Non-Finnish European, 0.0026%; no homozygotes.

Submissions (2):

Ambry Genetics
Classification: Uncertain significance for Hereditary cancer-predisposing syndrome. Last evaluated: 2022-11-13. Review status: criteria provided, single submitter. Criteria: Ambry Variant Classification Scheme 2023. Collection method: clinical testing. Allele origin: germline.
Comment: The p.A177V variant (also known as c.530C>T), located in coding exon 5 of the MRE11A gene, results from a C to T substitution at nucleotide position 530. The alanine at codon 177 is replaced by valine, an amino acid with similar properties. This amino acid position is highly conserved in available vertebrate species. In addition, this alteration is predicted to be deleterious by in silico analysis. Since supporting evidence is limited at this time, the clinical significance of this alteration remains unclear.

Labcorp Genetics (formerly Invitae), Labcorp
Classification: Uncertain significance for Ataxia-telangiectasia-like disorder. Last evaluated: 2021-10-21. Review status: criteria provided, single submitter. Criteria: Invitae Variant Classification Sherloc (09022015). Collection method: clinical testing. Allele origin: germline.
Comment: This sequence change replaces alanine with valine at codon 177 of the MRE11 protein (p.Ala177Val). The alanine residue is highly conserved and there is a small physicochemical difference between alanine and valine. This variant is present in population databases (rs773766504, ExAC 0.01%). This variant has not been reported in the literature in individuals affected with MRE11-related conditions. ClinVar contains an entry for this variant (Variation ID: 184931). Algorithms developed to predict the effect of missense changes on protein structure and function (SIFT, PolyPhen-2, Align-GVGD) all suggest that this variant is likely to be disruptive. In summary, the available evidence is currently insufficient to determine the role of this variant in disease. Therefore, it has been classified as a Variant of Uncertain Significance.

NM_005591.4(MRE11):c.530C>T (p.Ala177Val)

Gene: MRE11 (MRE11 double strand break repair nuclease; minus strand). Cytogenetic location: 11q21.
Variant type: single nucleotide variant.
Coding change: c.530C>T on transcript NM_005591.4 (MANE Select); coding-DNA position 530, C replaced by T.
Protein change: p.Ala177Val; replaces alanine 177 with valine.
Molecular consequence: missense variant.
Genome position (GRCh38, 1-based): chr11:94,478,749, G>A on the plus strand (C>T on the coding strand, the complement: MRE11 is on the minus strand). VCF-style: chr11-94478749-G-A. GRCh37 (hg19) VCF-style: chr11-94211915-G-A.
Other names: c.530C>T, p.Ala177Val (NM_001330347.2, NM_005590.4); short protein forms A177V.
Identifiers: ClinVar variation 184931 (VCV000184931.10), dbSNP rs773766504, ClinGen allele CA190507.
Genomic context (GRCh38, chr11:94,478,749, plus strand): 5'-TAAAGAATCACACATGGACATAAACAGTAAAATAAAACTGTCTTACCTAAACCATATAGC[G>A]CAATCTTTGTGCTTCCTTTTTGAAGCAAAACCGGACTAATGTCTATCTTCTCCACAGACA-3'
Protein context (NP_005582.1, residues 167-187): VLLQKGSTKI[Ala177Val]LYGLGSIPDE